The following is an entry in ClinVar:

ClinVar aggregate classification (germline): Likely pathogenic (1 of 4 stars; one submission).

Conditions:
Plasma factor XI deficiency.

Submission:

Natera, Inc.
Classification: Likely pathogenic for Plasma factor XI deficiency. Last evaluated: 2024-04-30. Review status: criteria provided, single submitter. Criteria: Natera Variant Classification Schema (03/2026). Collection method: clinical testing. Allele origin: germline.
Comment: The c.241_242delAG variant in F11 is a frameshift variant predicted to shift the reading frame beginning at codon 81 and leads to a stop codon 10 codons downstream. This variant is expected to result in nonsense mediated decay, truncation, or a dysfunctional protein product. This variant is rare in the general population with a frequency below the threshold expected for the associated phenotype(s). Given the available evidence, this variant is classified as Likely Pathogenic.

NM_000128.4(F11):c.241_242del (p.Ser81fs)

Gene: F11 (coagulation factor XI; plus strand). Cytogenetic location: 4q35.2.
Variant type: Deletion.
Coding change: c.241_242del on transcript NM_000128.4 (MANE Select); coding-DNA positions 241 to 242, 2 bases deleted (AG; older notation c.241_242delAG).
Protein change: p.Ser81fs; shifts the reading frame from serine 81.
Molecular consequence: frameshift variant.
Genome position (GRCh38, 1-based): chr4:186,273,093-186,273,094, AG deleted. VCF-style (leftmost placement, unchanged base first): chr4-186273092-CAG-C. GRCh37 (hg19) VCF-style: chr4-187194246-CAG-C.
Other names: c.241_242del, p.Ser81fs (NM_001354804.2, NM_001440590.1, NM_001440593.1 and 5 more transcripts); short protein forms S81fs.
Identifiers: ClinVar variation 4817497 (VCV004817497.1).